The following is an entry in ClinVar:

ClinVar aggregate classification (germline): Uncertain significance (1 of 4 stars; one submission).

Allele frequency attached by ClinVar (database versions not stated): TOPMed below 0.00001.
gnomAD v4.1: 1 of 1,614,092 alleles (0.000062%); highest among the groups gnomAD compares: South Asian, 0.0011%; no homozygotes.

Submission:

Labcorp Genetics (formerly Invitae), Labcorp
Classification: Uncertain significance. Last evaluated: 2022-05-22. Review status: criteria provided, single submitter. Criteria: Invitae Variant Classification Sherloc (09022015). Collection method: clinical testing. Allele origin: germline.
Comment: In summary, the available evidence is currently insufficient to determine the role of this variant in disease. Therefore, it has been classified as a Variant of Uncertain Significance. Algorithms developed to predict the effect of missense changes on protein structure and function (SIFT, PolyPhen-2, Align-GVGD) all suggest that this variant is likely to be tolerated. This variant has not been reported in the literature in individuals affected with C5-related conditions. This variant is not present in population databases (gnomAD no frequency). This sequence change replaces serine, which is neutral and polar, with threonine, which is neutral and polar, at codon 1184 of the C5 protein (p.Ser1184Thr).

NM_001735.3(C5):c.3551G>C (p.Ser1184Thr)

Gene: C5 (complement C5; minus strand). Cytogenetic location: 9q33.2.
Variant type: single nucleotide variant.
Coding change: c.3551G>C on transcript NM_001735.3 (MANE Select); coding-DNA position 3551, G replaced by C.
Protein change: p.Ser1184Thr; replaces serine 1184 with threonine.
Molecular consequence: missense variant.
Genome position (GRCh38, 1-based): chr9:120,980,190, C>G on the plus strand (G>C on the coding strand, the complement: C5 is on the minus strand). VCF-style: chr9-120980190-C-G. GRCh37 (hg19) VCF-style: chr9-123742468-C-G.
Other names: c.3569G>C, p.Ser1190Thr (NM_001317163.2); short protein forms S1190T, S1184T.
Identifiers: ClinVar variation 1393986 (VCV001393986.6), dbSNP rs2046981467, ClinGen allele CA374727449.